The following is an entry in ClinVar:

NM_001267550.2(TTN):c.103829G>T (p.Arg34610Leu)

Genes: TTN (titin; minus strand), TTN-AS1 (TTN antisense RNA 1; plus strand). Cytogenetic location: 2q31.2.
Variant type: single nucleotide variant.
Coding change: c.103829G>T on transcript NM_001267550.2 (MANE Select); coding-DNA position 103829, G replaced by T.
Protein change: p.Arg34610Leu; replaces arginine 34610 with leucine.
Molecular consequence: missense variant.
Genome position (GRCh38, 1-based): chr2:178,532,786, C>A on the plus strand (G>T on the coding strand, the complement: TTN is on the minus strand). VCF-style: chr2-178532786-C-A. GRCh37 (hg19) VCF-style: chr2-179397513-C-A.
Other names: c.98906G>T, p.Arg32969Leu (NM_001256850.1); c.76634G>T, p.Arg25545Leu (NM_003319.4); c.96125G>T, p.Arg32042Leu (NM_133378.4); c.77009G>T, p.Arg25670Leu (NM_133432.3); c.77210G>T, p.Arg25737Leu (NM_133437.4); short protein forms R25545L, R25737L, R32969L, R32042L, R34610L, R25670L.
Identifiers: ClinVar variation 1760042 (VCV001760042.5), dbSNP rs550047610, ClinGen allele CA349413416.
Genomic context (GRCh38, chr2:178,532,786, plus strand): 5'-TCAAGATCATCTTGGGACAGTTTAGGAATACGCCATTTAGGTCTGTATTGATCTGTAATG[C>A]GTGGAAGAGGCATCACATAGAACTGTTCCCATCTTGAAAGGCGGATGCGCTTGGGTCGTT-3'
Protein context (NP_001254479.2, residues 34600-34620): WEQFYVMPLP[Arg34610Leu]ITDQYRPKWR

ClinVar aggregate classification (germline): Uncertain significance. Review status: criteria provided, multiple submitters, no conflicts (2 of 4 stars). 2 submissions from 2 submitters: Uncertain significance (2). Last evaluated 2023-03-27.

Conditions:
Autosomal recessive limb-girdle muscular dystrophy type 2J (LGMDR10). Also called: Limb-girdle muscular dystrophy, type 2J; MUSCULAR DYSTROPHY, LIMB-GIRDLE, AUTOSOMAL RECESSIVE 10. Identifiers: Orphanet 140922, MedGen C1837342, MONDO:0012127, OMIM 608807.
Dilated cardiomyopathy 1G (CMD1G). Identifiers: Orphanet 154, MedGen C1858763, MONDO:0011400, OMIM 604145.
Cardiovascular phenotype. Identifiers: MedGen CN230736.

Allele frequency attached by ClinVar (database versions not stated): TOPMed below 0.00001.
gnomAD v4.1: 1 of 1,613,760 alleles (0.000062%); highest among the groups gnomAD compares: Non-Finnish European, 0.000085%; no homozygotes.

Submissions (2):

Labcorp Genetics (formerly Invitae), Labcorp
Classification: Uncertain significance for Dilated cardiomyopathy 1G; Autosomal recessive limb-girdle muscular dystrophy type 2J. Last evaluated: 2023-03-27. Review status: criteria provided, single submitter. Criteria: Invitae Variant Classification Sherloc (09022015). Collection method: clinical testing. Allele origin: germline.
Comment: This variant is located in the M band of TTN (PMID: 25589632). Variants in this region may be relevant for neuromuscular disorders, but have not been definitively shown to cause cardiomyopathy (PMID: 23975875). In summary, the available evidence is currently insufficient to determine the role of this variant in disease. Therefore, it has been classified as a Variant of Uncertain Significance. Experimental studies and prediction algorithms are not available or were not evaluated, and the functional significance of this variant is currently unknown. ClinVar contains an entry for this variant (Variation ID: 1760042). This variant has not been reported in the literature in individuals affected with TTN-related conditions. This variant is not present in population databases (gnomAD no frequency). This sequence change replaces arginine, which is basic and polar, with leucine, which is neutral and non-polar, at codon 34610 of the TTN protein (p.Arg34610Leu).

Ambry Genetics
Classification: Uncertain significance for Cardiovascular phenotype. Last evaluated: 2019-07-17. Review status: criteria provided, single submitter. Criteria: Ambry Variant Classification Scheme 2023. Collection method: clinical testing. Allele origin: germline.
Comment: The p.R25545L variant (also known as c.76634G>T), located in coding exon 185 of the TTN gene, results from a G to T substitution at nucleotide position 76634. The arginine at codon 25545 is replaced by leucine, an amino acid with dissimilar properties. This amino acid position is highly conserved in available vertebrate species. In addition, the in silico prediction for this alteration is inconclusive. Since supporting evidence is limited at this time, the clinical significance of this alteration remains unclear.

Literature cited by the submitters: PubMed 25589632 (cited by Labcorp Genetics (formerly Invitae), Labcorp); PubMed 23975875 (cited by Labcorp Genetics (formerly Invitae), Labcorp).